The following is an entry in ClinVar:

NM_005876.5(SPEG):c.4930C>T (p.Arg1644Trp)

Gene: SPEG (striated muscle enriched protein kinase; plus strand). Cytogenetic location: 2q35.
Variant type: single nucleotide variant.
Coding change: c.4930C>T on transcript NM_005876.5 (MANE Select); coding-DNA position 4930, C replaced by T.
Protein change: p.Arg1644Trp; replaces arginine 1644 with tryptophan.
Molecular consequence: missense variant.
Genome position (GRCh38, 1-based): chr2:219,478,008, C>T. VCF-style: chr2-219478008-C-T. GRCh37 (hg19) VCF-style: chr2-220342730-C-T.
Other names: c.4930C>T (NM_005876.4); short protein forms R1644W.
Identifiers: ClinVar variation 1412341 (VCV001412341.9), dbSNP rs371553667, ClinGen allele CA2126676.

ClinVar aggregate classification (germline): Uncertain significance. Review status: criteria provided, multiple submitters, no conflicts (2 of 4 stars). 2 submissions from 2 submitters: Uncertain significance (2). Last evaluated 2025-08-14.

Conditions:
Inborn genetic diseases. Identifiers: MedGen C0950123, MeSH D030342.

Allele frequency attached by ClinVar (database versions not stated): gnomAD exomes 0.00001 and 0.00002; TOPMed 0.00001; ExAC 0.00002; gnomAD 0.00002; ESP Exome Variant Server 0.00008.

Submissions (2):

Ambry Genetics
Classification: Uncertain significance for Inborn genetic diseases. Last evaluated: 2025-08-14. Review status: criteria provided, single submitter. Criteria: Ambry Variant Classification Scheme 2023. Collection method: clinical testing. Allele origin: germline.

Labcorp Genetics (formerly Invitae), Labcorp
Classification: Uncertain significance. Last evaluated: 2021-05-30. Review status: criteria provided, single submitter. Criteria: Invitae Variant Classification Sherloc (09022015). Collection method: clinical testing. Allele origin: germline.
Comment: This variant has not been reported in the literature in individuals with SPEG-related conditions. In summary, the available evidence is currently insufficient to determine the role of this variant in disease. Therefore, it has been classified as a Variant of Uncertain Significance. Algorithms developed to predict the effect of missense changes on protein structure and function (SIFT, PolyPhen-2, Align-GVGD) all suggest that this variant is likely to be disruptive, but these predictions have not been confirmed by published functional studies and their clinical significance is uncertain. This variant is present in population databases (rs371553667, ExAC 0.002%). This sequence change replaces arginine with tryptophan at codon 1644 of the SPEG protein (p.Arg1644Trp). The arginine residue is highly conserved and there is a moderate physicochemical difference between arginine and tryptophan.